The following is an entry in ClinVar:

NM_002894.3(RBBP8):c.2554del (p.Trp852fs)

Gene: RBBP8 (RB binding protein 8, endonuclease; plus strand). Cytogenetic location: 18q11.2.
Variant type: Deletion.
Coding change: c.2554del on transcript NM_002894.3 (MANE Select); coding-DNA position 2554, one base deleted (T; older notation c.2554delT).
Protein change: p.Trp852fs; shifts the reading frame from tryptophan 852.
Molecular consequence: frameshift variant.
Genome position (GRCh38, 1-based): chr18:23,022,228, T deleted; the last of 5 consecutive T bases (chr18:23,022,224-23,022,228); deleting any one gives the same sequence. VCF-style (leftmost placement, unchanged base first): chr18-23022223-AT-A. GRCh37 (hg19) VCF-style: chr18-20602186-AT-A.
Other names: c.2554del, p.Trp852fs (NM_203291.2); c.2457del, p.Phe819fs (NM_203292.2); short protein forms W852fs, F819fs.
Identifiers: ClinVar variation 2008423 (VCV002008423.1), dbSNP rs2510885818, ClinGen allele CA2567028910.

ClinVar aggregate classification (germline): Uncertain significance (1 of 4 stars; one submission).

Submission:

Labcorp Genetics (formerly Invitae), Labcorp
Classification: Uncertain significance. Last evaluated: 2022-06-19. Review status: criteria provided, single submitter. Criteria: Invitae Variant Classification Sherloc (09022015). Collection method: clinical testing. Allele origin: germline.
Comment: This sequence change creates a premature translational stop signal (p.Trp852Glyfs*49) in the RBBP8 gene. It is expected to result in an absent or disrupted protein product. However, the current clinical and genetic evidence is not sufficient to establish whether loss-of-function variants in RBBP8 cause disease. This variant is not present in population databases (gnomAD no frequency). This variant has not been reported in the literature in individuals affected with RBBP8-related conditions. In summary, the available evidence is currently insufficient to determine the role of this variant in disease. Therefore, it has been classified as a Variant of Uncertain Significance.